The following is an entry in ClinVar:

NM_181507.2(HPS5):c.1036A>G (p.Asn346Asp)

Gene: HPS5 (HPS5 biogenesis of lysosomal organelles complex 2 subunit 2; minus strand). Cytogenetic location: 11p15.1.
Variant type: single nucleotide variant.
Coding change: c.1036A>G on transcript NM_181507.2 (MANE Select); coding-DNA position 1036, A replaced by G.
Protein change: p.Asn346Asp; replaces asparagine 346 with aspartic acid.
Molecular consequence: missense variant.
Genome position (GRCh38, 1-based): chr11:18,298,920, T>C on the plus strand (A>G on the coding strand, the complement: HPS5 is on the minus strand). VCF-style: chr11-18298920-T-C. GRCh37 (hg19) VCF-style: chr11-18320467-T-C.
Other names: c.1036A>G, p.Asn346Asp (NM_001440902.1, NM_001440903.1, NM_001440904.1 and 5 more transcripts); c.961A>G, p.Asn321Asp (NM_001440907.1, NM_001440908.1, NM_001440909.1); c.925A>G, p.Asn309Asp (NM_001440913.1, NM_001440914.1, NM_001440915.1); c.694A>G, p.Asn232Asp (NM_001440924.1, NM_001440925.1, NM_001440926.1 and 7 more transcripts); c.622A>G, p.Asn208Asp (NM_001440927.1, NM_001440928.1, NM_001440929.1); c.850A>G, p.Asn284Asp (NM_001440918.1); c.823A>G, p.Asn275Asp (NM_001440919.1); short protein forms N232D, N284D, N321D, N275D, N309D, N346D, N208D.
Identifiers: ClinVar variation 4769545 (VCV004769545.1).

ClinVar aggregate classification (germline): Uncertain significance (1 of 4 stars; one submission).

gnomAD v4.1: 2 of 1,614,034 alleles (0.00012%); highest among the groups gnomAD compares: African/African-American, 0.0013%; no homozygotes.

Submission:

Labcorp Genetics (formerly Invitae), Labcorp
Classification: Uncertain significance. Last evaluated: 2025-03-12. Review status: criteria provided, single submitter. Criteria: Invitae Variant Classification Sherloc (09022015). Collection method: clinical testing. Allele origin: germline.
Comment: This sequence change replaces asparagine, which is neutral and polar, with aspartic acid, which is acidic and polar, at codon 346 of the HPS5 protein (p.Asn346Asp). This variant is not present in population databases (gnomAD no frequency). This variant has not been reported in the literature in individuals affected with HPS5-related conditions. An algorithm developed to predict the effect of missense changes on protein structure and function (PolyPhen-2) suggests that this variant is likely to be tolerated. Algorithms developed to predict the effect of sequence changes on RNA splicing suggest that this variant may disrupt the consensus splice site. In summary, the available evidence is currently insufficient to determine the role of this variant in disease. Therefore, it has been classified as a Variant of Uncertain Significance.